The following is an entry in ClinVar:

ClinVar aggregate classification (germline): Uncertain significance (1 of 4 stars; one submission).

Conditions:
Familial melanoma. Also called: Hereditary melanoma; Hereditary cutaneous melanoma. Identifiers: Orphanet 618, MedGen C1512419, MONDO:0018961.

Submission:

Labcorp Genetics (formerly Invitae), Labcorp
Classification: Uncertain significance for Familial melanoma. Last evaluated: 2024-03-06. Review status: criteria provided, single submitter. Criteria: Invitae Variant Classification Sherloc (09022015). Collection method: clinical testing. Allele origin: germline.
Comment: This sequence change replaces asparagine, which is neutral and polar, with lysine, which is basic and polar, at codon 301 of the CDK4 protein (p.Asn301Lys). This variant is not present in population databases (gnomAD no frequency). This variant has not been reported in the literature in individuals affected with CDK4-related conditions. Advanced modeling of protein sequence and biophysical properties (such as structural, functional, and spatial information, amino acid conservation, physicochemical variation, residue mobility, and thermodynamic stability) performed at Invitae indicates that this missense variant is not expected to disrupt CDK4 protein function with a negative predictive value of 95%. In summary, the available evidence is currently insufficient to determine the role of this variant in disease. Therefore, it has been classified as a Variant of Uncertain Significance.

NM_000075.4(CDK4):c.903T>A (p.Asn301Lys)

Genes: CDK4 (cyclin dependent kinase 4; minus strand), TSPAN31 (tetraspanin 31; plus strand). Cytogenetic location: 12q14.1.
Variant type: single nucleotide variant.
Coding change: c.903T>A on transcript NM_000075.4 (MANE Select); coding-DNA position 903, T replaced by A.
Protein change: p.Asn301Lys; replaces asparagine 301 with lysine.
Molecular consequence: missense variant. On other transcripts: 3 prime UTR variant (3).
Genome position (GRCh38, 1-based): chr12:57,748,534, A>T on the plus strand (T>A on the coding strand, the complement: CDK4 is on the minus strand). VCF-style: chr12-57748534-A-T. GRCh37 (hg19) VCF-style: chr12-58142317-A-T.
Other names: c.*1244A>T (NM_001330168.2, NM_001330169.2, NM_005981.5); short protein forms N301K.
Identifiers: ClinVar variation 3637622 (VCV003637622.2).
Genomic context (GRCh38, chr12:57,748,534, plus strand): 5'-CCAGAAGGGAAATGGCAGCTTTTCTTCCTTCCATGGCAGCCACTCCATTGCTCACTCCGG[A>T]TTACCTTCATCCTTATGTAGATAAGAGTGCTGCAGAGCTCGAAAGGCAGAGATTCGCTTG-3'
Protein context (NP_000066.1, residues 291-303): QHSYLHKDEG[Asn301Lys]PE